The following is an entry in ClinVar:

NM_000070.3(CAPN3):c.2096G>A (p.Ser699Asn)

Gene: CAPN3 (calpain 3; plus strand). Cytogenetic location: 15q15.1.
Variant type: single nucleotide variant.
Coding change: c.2096G>A on transcript NM_000070.3 (MANE Select); coding-DNA position 2096, G replaced by A.
Protein change: p.Ser699Asn; replaces serine 699 with asparagine.
Molecular consequence: missense variant.
Genome position (GRCh38, 1-based): chr15:42,409,976, G>A. VCF-style: chr15-42409976-G-A. GRCh37 (hg19) VCF-style: chr15-42702174-G-A.
Other names: c.2078G>A, p.Ser693Asn (NM_024344.2); c.1820G>A, p.Ser607Asn (NM_173087.2); c.560G>A, p.Ser187Asn (NM_173088.2); c.101G>A, p.Ser34Asn (NM_173089.2, NM_173090.2); c.*1194G>A (NM_212464.2); c.*1771G>A (NM_212467.2); short protein forms S699N, S187N, S607N, S693N, S34N.
Identifiers: ClinVar variation 2098865 (VCV002098865.4), dbSNP rs2548291727, ClinGen allele CA392001549.

ClinVar aggregate classification (germline): Uncertain significance (1 of 4 stars; one submission).

Conditions:
Autosomal recessive limb-girdle muscular dystrophy type 2A (LGMDR1). Also called: Muscular dystrophy, limb-girdle, type 2A, Amish; LEYDEN-MOEBIUS MUSCULAR DYSTROPHY; MUSCULAR DYSTROPHY, PELVOFEMORAL; Limb-girdle muscular dystrophy, type 2A; Calpainopathy. Identifiers: Orphanet 267, MedGen C1869123, MONDO:0009675, OMIM 253600. Disease mechanism: loss of function.

Submission:

Labcorp Genetics (formerly Invitae), Labcorp
Classification: Uncertain significance for Autosomal recessive limb-girdle muscular dystrophy type 2A. Last evaluated: 2022-08-06. Review status: criteria provided, single submitter. Criteria: Invitae Variant Classification Sherloc (09022015). Collection method: clinical testing. Allele origin: germline.
Comment: In summary, the available evidence is currently insufficient to determine the role of this variant in disease. Therefore, it has been classified as a Variant of Uncertain Significance. Algorithms developed to predict the effect of missense changes on protein structure and function are either unavailable or do not agree on the potential impact of this missense change (SIFT: "Deleterious"; PolyPhen-2: "Probably Damaging"; Align-GVGD: "Class C0"). This missense change has been observed in individual(s) with autosomal recessive limb-girdle muscular dystrophy (PMID: 33337384). This variant is not present in population databases (gnomAD no frequency). This sequence change replaces serine, which is neutral and polar, with asparagine, which is neutral and polar, at codon 699 of the CAPN3 protein (p.Ser699Asn).

Literature cited by the submitters: PubMed 33337384.